The following is an entry in ClinVar:

NM_000548.5(TSC2):c.5045T>G (p.Leu1682Arg)

Gene: TSC2 (TSC complex subunit 2; plus strand). Cytogenetic location: 16p13.3.
Variant type: single nucleotide variant.
Coding change: c.5045T>G on transcript NM_000548.5 (MANE Select); coding-DNA position 5045, T replaced by G.
Protein change: p.Leu1682Arg; replaces leucine 1682 with arginine.
Molecular consequence: missense variant.
Genome position (GRCh38, 1-based): chr16:2,087,918, T>G. VCF-style: chr16-2087918-T-G. GRCh37 (hg19) VCF-style: chr16-2137919-T-G.
Other names: c.4844T>G, p.Leu1615Arg (NM_001077183.3); c.4976T>G, p.Leu1659Arg (NM_001114382.3); c.4736T>G, p.Leu1579Arg (NM_001318827.2); c.4700T>G, p.Leu1567Arg (NM_001318829.2); c.4313T>G, p.Leu1438Arg (NM_001318831.2); c.4877T>G, p.Leu1626Arg (NM_001318832.2); c.4847T>G, p.Leu1616Arg (NM_001363528.2); c.4913T>G, p.Leu1638Arg (NM_001370404.1); and 1 more; short protein forms L1438R, L1567R, L1579R, L1615R, L1616R, L1626R, L1638R, L1639R.
Identifiers: ClinVar variation 1009984 (VCV001009984.8), dbSNP rs2091055727, ClinGen allele CA394311516.

ClinVar aggregate classification (germline): Uncertain significance (1 of 4 stars; one submission).

Conditions:
Tuberous sclerosis 2 (TSC2). Identifiers: Orphanet 805, MedGen C1860707, MONDO:0013199, OMIM 613254.

Submission:

Labcorp Genetics (formerly Invitae), Labcorp
Classification: Uncertain significance for Tuberous sclerosis 2. Last evaluated: 2020-06-30. Review status: criteria provided, single submitter. Criteria: Invitae Variant Classification Sherloc (09022015). Collection method: clinical testing. Allele origin: germline.
Comment: This sequence change replaces leucine with arginine at codon 1682 of the TSC2 protein (p.Leu1682Arg). The leucine residue is highly conserved and there is a moderate physicochemical difference between leucine and arginine. This variant is not present in population databases (ExAC no frequency). This variant has not been reported in the literature in individuals with TSC2-related conditions. Algorithms developed to predict the effect of missense changes on protein structure and function are either unavailable or do not agree on the potential impact of this missense change (SIFT: "Tolerated"; PolyPhen-2: "Probably Damaging"; Align-GVGD: "Class C0"). In summary, the available evidence is currently insufficient to determine the role of this variant in disease. Therefore, it has been classified as a Variant of Uncertain Significance.